The following is an entry in ClinVar:

NM_000092.5(COL4A4):c.854G>A (p.Gly285Glu)

Gene: COL4A4 (collagen type IV alpha 4 chain; minus strand). Cytogenetic location: 2q36.3.
Variant type: single nucleotide variant.
Coding change: c.854G>A on transcript NM_000092.5 (MANE Select); coding-DNA position 854, G replaced by A.
Protein change: p.Gly285Glu; replaces glycine 285 with glutamic acid.
Molecular consequence: missense variant.
Genome position (GRCh38, 1-based): chr2:227,103,160, C>T on the plus strand (G>A on the coding strand, the complement: COL4A4 is on the minus strand). VCF-style: chr2-227103160-C-T. GRCh37 (hg19) VCF-style: chr2-227967876-C-T.
Other names: short protein forms G285E.
Identifiers: ClinVar variation 930185 (VCV000930185.9), dbSNP rs2060621902, ClinGen allele CA350857594.

ClinVar aggregate classification (germline): Conflicting classifications of pathogenicity. Review status: criteria provided, conflicting classifications (1 of 4 stars). 4 submissions from 4 submitters: Likely pathogenic (3); Uncertain significance (1). Last evaluated 2025-10-14.

Conditions:
Glomerulonephritis. Also called: Glomerulonephritis (disease). Identifiers: MedGen C0017658, MONDO:0002462, HP:0000099.
COL4A4-related disorder.
Alport syndrome. Also called: Hemorrhagic familial nephritis; Hemorrhagic hereditary nephritis; Congenital hereditary hematuria. Identifiers: Orphanet 63, MedGen C1567741, MONDO:0018965.

Allele frequency attached by ClinVar (database versions not stated): gnomAD exomes below 0.00001.

Submissions (4):

Natera, Inc.
Classification: Likely pathogenic for Alport syndrome. Last evaluated: 2025-10-14. Review status: criteria provided, single submitter. Criteria: Natera Variant Classification Schema (03/2026). Collection method: clinical testing. Allele origin: germline.
Comment: The c.854G>A variant in COL4A4 is a missense variant predicted to cause substitution of glycine to glutamic acid at amino acid 285. This variant is rare in the general population with a frequency below the threshold expected for the associated phenotype(s). This variant is located in a functionally critical region of the protein. Computational prediction algorithms indicate this variant is likely to affect gene or protein function. Given the available evidence, this variant is classified as Likely Pathogenic.

Labcorp Genetics (formerly Invitae), Labcorp
Classification: Uncertain significance. Last evaluated: 2021-11-21. Review status: criteria provided, single submitter. Criteria: Invitae Variant Classification Sherloc (09022015). Collection method: clinical testing. Allele origin: germline.
Comment: This sequence change replaces glycine, which is neutral and non-polar, with glutamic acid, which is acidic and polar, at codon 285 of the COL4A4 protein (p.Gly285Glu). This variant is not present in population databases (gnomAD no frequency). This variant has not been reported in the literature in individuals affected with COL4A4-related conditions. ClinVar contains an entry for this variant (Variation ID: 930185). Advanced modeling of protein sequence and biophysical properties (such as structural, functional, and spatial information, amino acid conservation, physicochemical variation, residue mobility, and thermodynamic stability) performed at Invitae indicates that this missense variant is expected to disrupt COL4A4 protein function. In summary, the available evidence is currently insufficient to determine the role of this variant in disease. Therefore, it has been classified as a Variant of Uncertain Significance.

Blueprint Genetics
Classification: Likely pathogenic for COL4A4-related disorders. Last evaluated: 2021-05-11. Review status: criteria provided, single submitter. Criteria: ACMG Guidelines, 2015. Collection method: clinical testing. Allele origin: germline. Affected: yes. Observed: 1 variant allele.

UNC Molecular Genetics  Laboratory, University of North Carolina at Chapel Hill
Classification: Likely pathogenic for Glomerulonephritis. Last evaluated: 2019-02-26. Review status: criteria provided, single submitter. Criteria: ACMG Guidelines, 2015. Collection method: clinical testing. Allele origin: germline. Affected: yes. Observed: 1 heterozygote.